The following is an entry in ClinVar:

ClinVar aggregate classification (germline): Likely benign (0 of 4 stars; one submission).

Conditions:
TLL1-related disorder. Also called: TLL1-related condition.

gnomAD v4.1: 2 of 1,613,042 alleles (0.00012%); highest among the groups gnomAD compares: Non-Finnish European, 0.00017%; no homozygotes.

Submission:

PreventionGenetics, part of Exact Sciences
Classification: Likely benign for TLL1-related condition. Last evaluated: 2024-04-08. Review status: no assertion criteria provided. Collection method: clinical testing. Allele origin: germline.
Comment: This variant is classified as likely benign based on ACMG/AMP sequence variant interpretation guidelines (Richards et al. 2015 PMID: 25741868, with internal and published modifications).

NM_012464.5(TLL1):c.2189-5G>T

Gene: TLL1 (tolloid like 1; plus strand). Cytogenetic location: 4q32.3.
Variant type: single nucleotide variant.
Coding change: c.2189-5G>T on transcript NM_012464.5 (MANE Select); 5 bases into the intron before coding-DNA position 2189, G replaced by T.
Molecular consequence: intron variant.
Genome position (GRCh38, 1-based): chr4:166,074,873, G>T. VCF-style: chr4-166074873-G-T. GRCh37 (hg19) VCF-style: chr4-166996025-G-T.
Identifiers: ClinVar variation 3353347 (VCV003353347.1).